The following is an entry in ClinVar:

ClinVar aggregate classification (germline): Uncertain significance (1 of 4 stars; one submission).

Submission:

GeneDx
Classification: Uncertain significance. Last evaluated: 2023-02-01. Review status: criteria provided, single submitter. Criteria: GeneDx Variant Classification Process June 2021. Collection method: clinical testing. Allele origin: germline. Affected: yes.
Comment: Not observed at significant frequency in large population cohorts (gnomAD); In silico analysis supports that this missense variant has a deleterious effect on protein structure/function; Has not been previously published as pathogenic or benign to our knowledge

NM_000522.5(HOXA13):c.1085C>A (p.Ser362Tyr)

Gene: HOXA13 (homeobox A13; minus strand). Cytogenetic location: 7p15.2.
Variant type: single nucleotide variant.
Coding change: c.1085C>A on transcript NM_000522.5 (MANE Select); coding-DNA position 1085, C replaced by A.
Protein change: p.Ser362Tyr; replaces serine 362 with tyrosine.
Molecular consequence: missense variant.
Genome position (GRCh38, 1-based): chr7:27,198,280, G>T on the plus strand (C>A on the coding strand, the complement: HOXA13 is on the minus strand). VCF-style: chr7-27198280-G-T. GRCh37 (hg19) VCF-style: chr7-27237899-G-T.
Other names: short protein forms S362Y.
Identifiers: ClinVar variation 2574987 (VCV002574987.1), dbSNP rs2115471193, ClinGen allele CA367069705.
Genomic context (GRCh38, chr7:27,198,280, plus strand): 5'-TTGATGACTTTTTTCTCTTTAACCCTCCTGTTCTGGAACCAGATTGTGACCTGCCGCTCA[G>T]AGAGATTCGTCGTGGCTGATATCCGCCTCCGTTTGTCCTTAGTAATGAATTTATTCGTGG-3'
Protein context (NP_000513.2, residues 352-372): RRRISATTNL[Ser362Tyr]ERQVTIWFQN